The following is an entry in ClinVar:

ClinVar aggregate classification (germline): Likely benign (1 of 4 stars; one submission).

Allele frequency attached by ClinVar (database versions not stated): ExAC 0.00001.

Submission:

CeGaT Center for Human Genetics Tuebingen
Classification: Likely benign. Last evaluated: 2024-05-01. Review status: criteria provided, single submitter. Criteria: CeGaT Center For Human Genetics Tuebingen Variant Classification Criteria Version 2. Collection method: clinical testing. Allele origin: germline. Affected: yes. Observed: 1 variant allele.
Comment: NEFH: PM2:Supporting, BP4, BP7

NM_021076.4(NEFH):c.2229A>G (p.Glu743=)

Gene: NEFH (neurofilament heavy chain; plus strand). Cytogenetic location: 22q12.2.
Variant type: single nucleotide variant.
Coding change: c.2229A>G on transcript NM_021076.4 (MANE Select); coding-DNA position 2229, A replaced by G.
Protein change: p.Glu743=; no amino-acid change (glutamic acid 743 retained).
Molecular consequence: synonymous variant.
Genome position (GRCh38, 1-based): chr22:29,489,869, A>G. VCF-style: chr22-29489869-A-G. GRCh37 (hg19) VCF-style: chr22-29885858-A-G.
Identifiers: ClinVar variation 3239087 (VCV003239087.19), dbSNP rs570663492.